The following is an entry in ClinVar:

NM_001204.7(BMPR2):c.254G>A (p.Trp85Ter)

Gene: BMPR2 (bone morphogenetic protein receptor type 2; plus strand). Cytogenetic location: 2q33.1.
Variant type: single nucleotide variant.
Coding change: c.254G>A on transcript NM_001204.7 (MANE Select); coding-DNA position 254, G replaced by A.
Protein change: p.Trp85Ter; replaces tryptophan 85 with a stop codon.
Molecular consequence: nonsense.
Genome position (GRCh38, 1-based): chr2:202,467,525, G>A. VCF-style: chr2-202467525-G-A. GRCh37 (hg19) VCF-style: chr2-203332248-G-A.
Other names: short protein forms W85*.
Identifiers: ClinVar variation 2735433 (VCV002735433.3), dbSNP rs76862973, ClinGen allele CA350399518.

ClinVar aggregate classification (germline): Pathogenic (1 of 4 stars; one submission).

Conditions:
Primary pulmonary hypertension. Also called: Idiopathic pulmonary hypertension. Identifiers: MedGen C0152171.

Submission:

Labcorp Genetics (formerly Invitae), Labcorp
Classification: Pathogenic for Primary pulmonary hypertension. Last evaluated: 2023-07-03. Review status: criteria provided, single submitter. Criteria: Invitae Variant Classification Sherloc (09022015). Collection method: clinical testing. Allele origin: germline.
Comment: For these reasons, this variant has been classified as Pathogenic. This premature translational stop signal has been observed in individual(s) with pulmonary arterial hypertension (PMID: 16429395, 25612240). This variant is not present in population databases (gnomAD no frequency). This sequence change creates a premature translational stop signal (p.Trp85*) in the BMPR2 gene. It is expected to result in an absent or disrupted protein product. Loss-of-function variants in BMPR2 are known to be pathogenic (PMID: 16429395).

Literature cited by the submitters: PubMed 16429395; PubMed 25612240.